The following is an entry in ClinVar:

NM_000238.4(KCNH2):c.3315G>C (p.Leu1105Phe)

Gene: KCNH2 (potassium voltage-gated channel subfamily H member 2; minus strand). Cytogenetic location: 7q36.1.
Variant type: single nucleotide variant.
Coding change: c.3315G>C on transcript NM_000238.4 (MANE Select); coding-DNA position 3315, G replaced by C.
Protein change: p.Leu1105Phe; replaces leucine 1105 with phenylalanine.
Molecular consequence: missense variant.
Genome position (GRCh38, 1-based): chr7:150,946,892, C>G on the plus strand (G>C on the coding strand, the complement: KCNH2 is on the minus strand). VCF-style: chr7-150946892-C-G. GRCh37 (hg19) VCF-style: chr7-150643980-C-G.
Other names: c.2295G>C, p.Leu765Phe (NM_172057.3); short protein forms L765F, L1105F.
Identifiers: ClinVar variation 926697 (VCV000926697.6), dbSNP rs1800909845, ClinGen allele CA369851924.

ClinVar aggregate classification (germline): Uncertain significance (1 of 4 stars; one submission).

Conditions:
Cardiac arrhythmia. Also called: Cardiac rhythm disease; Arrhythmia. Identifiers: MedGen C0003811, MONDO:0007263, HP:0011675.

Submission:

Color Diagnostics, LLC DBA Color Health
Classification: Uncertain significance for Cardiac arrhythmia. Last evaluated: 2023-12-04. Review status: criteria provided, single submitter. Criteria: ACMG Guidelines, 2015. Collection method: clinical testing. Allele origin: germline.
Comment: This missense variant replaces leucine with phenylalanine at codon 1105 of the KCNH2 protein. Computational prediction is inconclusive regarding the impact of this variant on protein structure and function (internally defined REVEL score threshold 0.5 < inconclusive < 0.7, PMID: 27666373). To our knowledge, functional studies have not been reported for this variant. This variant has not been reported in individuals affected with KCNH2-related disorders in the literature. This variant has not been identified in the general population by the Genome Aggregation Database (gnomAD). The available evidence is insufficient to determine the role of this variant in disease conclusively. Therefore, this variant is classified as a Variant of Uncertain Significance.